The following is an entry in ClinVar:

NM_020937.4(FANCM):c.817G>A (p.Asp273Asn)

Gene: FANCM (FA complementation group M; plus strand). Cytogenetic location: 14q21.2.
Variant type: single nucleotide variant.
Coding change: c.817G>A on transcript NM_020937.4 (MANE Select); coding-DNA position 817, G replaced by A.
Protein change: p.Asp273Asn; replaces aspartic acid 273 with asparagine.
Molecular consequence: missense variant.
Genome position (GRCh38, 1-based): chr14:45,148,894, G>A. VCF-style: chr14-45148894-G-A. GRCh37 (hg19) VCF-style: chr14-45618097-G-A.
Other names: c.739G>A, p.Asp247Asn (NM_001308133.2); c.817G>A, p.Asp273Asn (NM_001308134.2); short protein forms D247N, D273N.
Identifiers: ClinVar variation 2442630 (VCV002442630.1), dbSNP rs2139151648, ClinGen allele CA389589887.

ClinVar aggregate classification (germline): Uncertain significance (1 of 4 stars; one submission).

Submission:

GeneDx
Classification: Uncertain significance. Last evaluated: 2022-08-30. Review status: criteria provided, single submitter. Criteria: GeneDx Variant Classification Process June 2021. Collection method: clinical testing. Allele origin: germline. Affected: yes.
Comment: Not observed at significant frequency in large population cohorts (gnomAD); In silico analysis supports that this missense variant has a deleterious effect on protein structure/function; Has not been previously published as pathogenic or benign to our knowledge